The following is an entry in ClinVar:

ClinVar aggregate classification (germline): Uncertain significance. Review status: criteria provided, multiple submitters, no conflicts (2 of 4 stars). 2 submissions from 2 submitters: Uncertain significance (2). Last evaluated 2024-05-31.

Conditions:
Early-infantile DEE. Also called: Early infantile epileptic encephalopathy with suppression bursts; Ohtahara syndrome; Early infantile epileptic encephalopathy. Identifiers: Orphanet 1934, MedGen C0393706, MONDO:0800491.

Submissions (2):

GeneDx
Classification: Uncertain significance. Last evaluated: 2024-05-31. Review status: criteria provided, single submitter. Criteria: GeneDx Variant Classification Process June 2021. Collection method: clinical testing. Allele origin: germline. Affected: yes.
Comment: Not observed at significant frequency in large population cohorts (gnomAD); In silico analysis indicates that this missense variant does not alter protein structure/function; Has not been previously published as pathogenic or benign to our knowledge; This substitution is predicted to be in the cytoplasmic loop between the first and second homologous domains

Labcorp Genetics (formerly Invitae), Labcorp
Classification: Uncertain significance for Early-infantile DEE. Last evaluated: 2021-12-12. Review status: criteria provided, single submitter. Criteria: Invitae Variant Classification Sherloc (09022015). Collection method: clinical testing. Allele origin: germline.
Comment: This sequence change replaces isoleucine, which is neutral and non-polar, with asparagine, which is neutral and polar, at codon 605 of the SCN8A protein (p.Ile605Asn). This variant is not present in population databases (gnomAD no frequency). In summary, the available evidence is currently insufficient to determine the role of this variant in disease. Therefore, it has been classified as a Variant of Uncertain Significance. Algorithms developed to predict the effect of missense changes on protein structure and function are either unavailable or do not agree on the potential impact of this missense change (SIFT: "Deleterious"; PolyPhen-2: "Benign"; Align-GVGD: "Class C0"). This variant has not been reported in the literature in individuals affected with SCN8A-related conditions.

NM_001330260.2(SCN8A):c.1814T>A (p.Ile605Asn)

Gene: SCN8A (sodium voltage-gated channel alpha subunit 8; plus strand). Cytogenetic location: 12q13.13.
Variant type: single nucleotide variant.
Coding change: c.1814T>A on transcript NM_001330260.2 (MANE Select); coding-DNA position 1814, T replaced by A.
Protein change: p.Ile605Asn; replaces isoleucine 605 with asparagine.
Molecular consequence: missense variant.
Genome position (GRCh38, 1-based): chr12:51,721,724, T>A. VCF-style: chr12-51721724-T-A. GRCh37 (hg19) VCF-style: chr12-52115508-T-A.
Other names: c.1814T>A, p.Ile605Asn (NM_014191.4, NM_001177984.3, NM_001369788.1); c.1814T>A (NM_014191.3); short protein forms I605N.
Identifiers: ClinVar variation 2043214 (VCV002043214.5), dbSNP rs960926390, ClinGen allele CA385229648.